The following is an entry in ClinVar:

NM_170707.4(LMNA):c.983_996delinsAGG (p.Ala328fs)

Gene: LMNA (lamin A/C; plus strand). Cytogenetic location: 1q22.
Variant type: Indel.
Coding change: c.983_996delinsAGG on transcript NM_170707.4 (MANE Select); coding-DNA positions 983 to 996, CCCGTGAGCGGGAC replaced by AGG.
Protein change: p.Ala328fs; shifts the reading frame from alanine 328.
Molecular consequence: frameshift variant.
Genome position (GRCh38, 1-based): chr1:156,135,947-156,135,960, CCCGTGAGCGGGAC replaced by AGG. VCF-style: chr1-156135947-CCCGTGAGCGGGAC-AGG. GRCh37 (hg19) VCF-style: chr1-156105738-CCCGTGAGCGGGAC-AGG.
Other names: c.647_660delinsAGG, p.Ala216fs (NM_001257374.3); c.740_753delinsAGG, p.Ala247fs (NM_001282624.2); c.983_996delinsAGG, p.Ala328fs (NM_001282625.2, NM_001282626.2, NM_005572.4 and 1 more transcripts); short protein forms A247fs, A328fs, A216fs.
Identifiers: ClinVar variation 817838 (VCV000817838.1), dbSNP rs1572362631, ClinGen allele CA915941460.

ClinVar aggregate classification (germline): Likely pathogenic (1 of 4 stars; one submission).

Submission:

GeneDx
Classification: Likely pathogenic. Last evaluated: 2018-09-20. Review status: criteria provided, single submitter. Criteria: GeneDx Variant Classification (06012015). Collection method: clinical testing. Allele origin: germline. Affected: yes.
Comment: The c.983_996del14insAGG variant in the LMNA gene has not been reported previously as a pathogenic variant nor as a benign variant, to our knowledge. The c.983_996del14insAGG variant causes a frameshift starting with codon Alanine 328, changes this amino acid to a Glutamic Acid residue, and creates a premature Stop codon at position 94 of the new reading frame, denoted p.Ala328GlufsX94. This variant is predicted to cause loss of normal protein function either through protein truncation or nonsense-mediated mRNA decay. The c.983_996del14insAGG variant is not observed in large population cohorts (Lek et al., 2016). Based on the ACMG recommendations, c.983_996del14insAGG is interpreted as an expected pathogenic sequence change.